The following is an entry in ClinVar:

NM_005359.6(SMAD4):c.521C>T (p.Thr174Ile)

Gene: SMAD4 (SMAD family member 4; plus strand). Cytogenetic location: 18q21.2.
Variant type: single nucleotide variant.
Coding change: c.521C>T on transcript NM_005359.6 (MANE Select); coding-DNA position 521, C replaced by T.
Protein change: p.Thr174Ile; replaces threonine 174 with isoleucine.
Molecular consequence: missense variant. On other transcripts: non-coding transcript variant (2).
Genome position (GRCh38, 1-based): chr18:51,054,847, C>T. VCF-style: chr18-51054847-C-T. GRCh37 (hg19) VCF-style: chr18-48581217-C-T.
Other names: c.521C>T, p.Thr174Ile (NM_001407041.1, NM_001407042.1, NM_001407043.1); short protein forms T174I.
Identifiers: ClinVar variation 4170034 (VCV004170034.1).

ClinVar aggregate classification (germline): Uncertain significance (1 of 4 stars; one submission).

Conditions:
Familial thoracic aortic aneurysm and aortic dissection (TAAD). Also called: Thoracic aortic aneurysms and dissections. Identifiers: Orphanet 91387, MedGen C4707243, MONDO:0019625.
Hereditary cancer-predisposing syndrome. Also called: Neoplastic Syndromes, Hereditary; Tumor predisposition; Hereditary Cancer Syndrome; Hereditary neoplastic syndrome. Identifiers: Orphanet 140162, MedGen C0027672, MeSH D009386, MONDO:0015356.

Submission:

Ambry Genetics
Classification: Uncertain significance for Hereditary cancer-predisposing syndrome; Familial thoracic aortic aneurysm and aortic dissection. Last evaluated: 2025-06-27. Review status: criteria provided, single submitter. Criteria: Ambry Variant Classification Scheme 2023. Collection method: clinical testing. Allele origin: germline.
Comment: The p.T174I variant (also known as c.521C>T), located in coding exon 4 of the SMAD4 gene, results from a C to T substitution at nucleotide position 521. The threonine at codon 174 is replaced by isoleucine, an amino acid with similar properties. This amino acid position is not well conserved in available vertebrate species. In addition, the in silico prediction for this alteration is inconclusive. Based on the available evidence, the clinical significance of this variant remains unclear.